The following is an entry in ClinVar:

ClinVar aggregate classification (germline): Conflicting classifications of pathogenicity. Review status: criteria provided, conflicting classifications (1 of 4 stars). 3 submissions from 3 submitters: Likely pathogenic (1); Uncertain significance (1). 1 of the submissions does not count toward it. Last evaluated 2022-03-11.

Conditions:
Noonan syndrome and Noonan-related syndrome. Identifiers: Orphanet 98733, MedGen C5681679, MONDO:0020297.
RASopathy. Also called: rasopathies; Noonan spectrum disorder. Identifiers: Orphanet 536391, MedGen C5555857, MONDO:0021060.

Submissions (3):

Labcorp Genetics (formerly Invitae), Labcorp
Classification: Likely pathogenic for RASopathy. Last evaluated: 2022-03-11. Review status: criteria provided, single submitter. Criteria: Invitae Variant Classification Sherloc (09022015). Collection method: clinical testing. Allele origin: germline.
Comment: In summary, the currently available evidence indicates that the variant is pathogenic, but additional data are needed to prove that conclusively. Therefore, this variant has been classified as Likely Pathogenic. This variant disrupts the p.Gly596 amino acid residue in BRAF. Other variant(s) that disrupt this residue have been determined to be pathogenic (PMID: 16439621, 18413255, 19376813, 25463315). This suggests that this residue is clinically significant, and that variants that disrupt this residue are likely to be disease-causing. Experimental studies are conflicting or provide insufficient evidence to determine the effect of this variant on BRAF function (PMID: 28947956). Advanced modeling of protein sequence and biophysical properties (such as structural, functional, and spatial information, amino acid conservation, physicochemical variation, residue mobility, and thermodynamic stability) performed at Invitae indicates that this missense variant is expected to disrupt BRAF protein function. ClinVar contains an entry for this variant (Variation ID: 44814). This variant has not been reported in the literature in individuals affected with BRAF-related conditions. This variant is not present in population databases (gnomAD no frequency). This sequence change replaces glycine, which is neutral and non-polar, with cysteine, which is neutral and slightly polar, at codon 596 of the BRAF protein (p.Gly596Cys).

Genome Diagnostics Laboratory, The Hospital for Sick Children
Classification: Uncertain significance for Noonan syndrome and Noonan-related syndrome. Last evaluated: 2021-03-23. Review status: criteria provided, single submitter. Criteria: ACMG Guidelines, 2015. Collection method: clinical testing. Allele origin: germline.

Laboratory for Molecular Medicine, Mass General Brigham Personalized Medicine
Classification: Uncertain significance. Last evaluated: 2016-02-11. Review status: no assertion criteria provided. Collection method: clinical testing. Allele origin: germline. Observed: 1 variant allele. Not counted in ClinVar's aggregate classification.
Comment: proposed classification - variant undergoing re-assessment, contact laboratory

Literature cited by the submitters: PubMed 16439621 (cited by Labcorp Genetics (formerly Invitae), Labcorp and Laboratory for Molecular Medicine, Mass General Brigham Personalized Medicine); PubMed 18413255 (cited by Labcorp Genetics (formerly Invitae), Labcorp and Laboratory for Molecular Medicine, Mass General Brigham Personalized Medicine); PubMed 19376813 (cited by Labcorp Genetics (formerly Invitae), Labcorp); PubMed 25463315 (cited by Labcorp Genetics (formerly Invitae), Labcorp); PubMed 28947956 (cited by Labcorp Genetics (formerly Invitae), Labcorp); PubMed 23093928 (cited by Laboratory for Molecular Medicine, Mass General Brigham Personalized Medicine).

NM_004333.6(BRAF):c.1786G>T (p.Gly596Cys)

Gene: BRAF (B-Raf proto-oncogene, serine/threonine kinase; minus strand). Cytogenetic location: 7q34.
Variant type: single nucleotide variant.
Coding change: c.1786G>T on transcript NM_004333.6 (MANE Select); coding-DNA position 1786, G replaced by T.
Protein change: p.Gly596Cys; replaces glycine 596 with cysteine.
Molecular consequence: missense variant.
Genome position (GRCh38, 1-based): chr7:140,753,349, C>A on the plus strand (G>T on the coding strand, the complement: BRAF is on the minus strand). VCF-style: chr7-140753349-C-A. GRCh37 (hg19) VCF-style: chr7-140453149-C-A.
Other names: c.1786G>T, p.Gly596Cys (NM_001354609.2, NM_001378468.1, NM_001378474.1); c.1906G>T, p.Gly636Cys (NM_001374244.1, NM_001374258.1); c.1795G>T, p.Gly599Cys (NM_001378467.1); c.1720G>T, p.Gly574Cys (NM_001378469.1); c.1684G>T, p.Gly562Cys (NM_001378470.1); c.1675G>T, p.Gly559Cys (NM_001378471.1); c.1630G>T, p.Gly544Cys (NM_001378472.1, NM_001378473.1); c.1522G>T, p.Gly508Cys (NM_001378475.1); short protein forms G596C, G508C, G562C, G559C, G574C, G544C, G636C, G599C.
Identifiers: ClinVar variation 44814 (VCV000044814.12), dbSNP rs121913361, ClinGen allele CA135098.